The following is an entry in ClinVar:

ClinVar aggregate classification (germline): Uncertain significance (1 of 4 stars; one submission).

Allele frequency attached by ClinVar (database versions not stated): ExAC 0.00001; gnomAD exomes below 0.00001.
gnomAD v4.1: 2 of 1,614,086 alleles (0.00012%); highest among the groups gnomAD compares: African/African-American, 0.0013%; no homozygotes.

Submission:

Labcorp Genetics (formerly Invitae), Labcorp
Classification: Uncertain significance. Last evaluated: 2022-02-11. Review status: criteria provided, single submitter. Criteria: Invitae Variant Classification Sherloc (09022015). Collection method: clinical testing. Allele origin: germline.
Comment: This sequence change replaces serine, which is neutral and polar, with asparagine, which is neutral and polar, at codon 2907 of the USH2A protein (p.Ser2907Asn). This variant is present in population databases (rs770376106, gnomAD 0.007%). This variant has not been reported in the literature in individuals affected with USH2A-related conditions. ClinVar contains an entry for this variant (Variation ID: 1025540). Algorithms developed to predict the effect of missense changes on protein structure and function (SIFT, PolyPhen-2, Align-GVGD) all suggest that this variant is likely to be tolerated. In summary, the available evidence is currently insufficient to determine the role of this variant in disease. Therefore, it has been classified as a Variant of Uncertain Significance.

NM_206933.4(USH2A):c.8720G>A (p.Ser2907Asn)

Gene: USH2A (usherin; minus strand). Cytogenetic location: 1q41.
Variant type: single nucleotide variant.
Coding change: c.8720G>A on transcript NM_206933.4 (MANE Select); coding-DNA position 8720, G replaced by A.
Protein change: p.Ser2907Asn; replaces serine 2907 with asparagine.
Molecular consequence: missense variant.
Genome position (GRCh38, 1-based): chr1:215,867,132, C>T on the plus strand (G>A on the coding strand, the complement: USH2A is on the minus strand). VCF-style: chr1-215867132-C-T. GRCh37 (hg19) VCF-style: chr1-216040474-C-T.
Other names: short protein forms S2907N.
Identifiers: ClinVar variation 1025540 (VCV001025540.7), dbSNP rs770376106, ClinGen allele CA1394528.
Genomic context (GRCh38, chr1:215,867,132, plus strand): 5'-CTCTCTGGAAGACCAGCTAACGTTGTCACAGTCACTTCTCGGCTCGGTGTAAAACCCACA[C>T]TGTTGTGTACGAAGAGCATATATTCATAGGTTGTAAACCTAAAATGTTGTTTTGTTAAAA-3'
Protein context (NP_996816.3, residues 2897-2917): TYEYMLFVHN[Ser2907Asn]VGFTPSREVT